The following is an entry in ClinVar:

ClinVar aggregate classification (germline): Likely benign. Review status: criteria provided, multiple submitters, no conflicts (2 of 4 stars). 3 submissions from 3 submitters: Likely benign (3). Last evaluated 2025-10-19.

Conditions:
Hereditary cancer-predisposing syndrome. Also called: Hereditary neoplastic syndrome; Hereditary Cancer Syndrome; Neoplastic Syndromes, Hereditary; Tumor predisposition. Identifiers: Orphanet 140162, MedGen C0027672, MeSH D009386, MONDO:0015356.
Familial cancer of breast. Also called: hereditary breast carcinoma; BREAST CANCER, FAMILIAL; Hereditary breast cancer. Identifiers: Orphanet 227535, MedGen C0346153, MONDO:0016419, OMIM 114480. Disease mechanism: loss of function.

Allele frequency attached by ClinVar (database versions not stated): gnomAD exomes 0.00001; TOPMed 0.00002.
gnomAD v4.1: 2 of 1,276,364 alleles (0.00016%); highest among the groups gnomAD compares: East Asian, 0.0048%; no homozygotes.

Submissions (3):

Labcorp Genetics (formerly Invitae), Labcorp
Classification: Likely benign for Familial cancer of breast. Last evaluated: 2025-10-19. Review status: criteria provided, single submitter. Criteria: Invitae Variant Classification Sherloc (09022015). Collection method: clinical testing. Allele origin: germline.

Color Diagnostics, LLC DBA Color Health
Classification: Likely benign for Hereditary cancer-predisposing syndrome. Last evaluated: 2019-01-04. Review status: criteria provided, single submitter. Criteria: ACMG Guidelines, 2015. Collection method: clinical testing. Allele origin: germline.

GeneDx
Classification: Likely benign. Last evaluated: 2017-02-20. Review status: criteria provided, single submitter. Criteria: GeneDx Variant Classification (06012015). Collection method: clinical testing. Allele origin: germline. Affected: yes.
Comment: This variant is considered likely benign or benign based on one or more of the following criteria: it is a conservative change, it occurs at a poorly conserved position in the protein, it is predicted to be benign by multiple in silico algorithms, and/or has population frequency not consistent with disease.

NM_007194.4(CHEK2):c.908+16T>G

Gene: CHEK2 (checkpoint kinase 2; minus strand). Cytogenetic location: 22q12.1.
Variant type: single nucleotide variant.
Coding change: c.908+16T>G on transcript NM_007194.4 (MANE Select); 16 bases into the intron after coding-DNA position 908, T replaced by G.
Molecular consequence: intron variant.
Genome position (GRCh38, 1-based): chr22:28,703,489, A>C on the plus strand (T>G on the coding strand, the complement: CHEK2 is on the minus strand). VCF-style: chr22-28703489-A-C. GRCh37 (hg19) VCF-style: chr22-29099477-A-C.
Other names: c.1001+16T>G (NM_001438293.1, NM_001438295.1); c.1037+16T>G (NM_001438294.1, NM_001005735.3); c.245+16T>G (NM_001437942.1, NM_001257387.3); c.707+16T>G (NM_001349956.3); c.908+16T>G (NM_145862.3).
Identifiers: ClinVar variation 507607 (VCV000507607.8), dbSNP rs1198651411, ClinGen allele CA638799636.